The following is an entry in ClinVar:

ClinVar aggregate classification (germline): Pathogenic; other. Review status: no assertion criteria provided (0 of 4 stars). 2 submissions from 2 submitters: Pathogenic (1). Last evaluated 2016-07-15.

Conditions:
Alpha-1-antitrypsin deficiency (A1ATD). Also called: AAT deficiency; A1AT deficiency; Alpha1-Antitrypsin Deficiency. Identifiers: Orphanet 60, MedGen C0221757, MONDO:0013282, OMIM 613490.
PI NULL(PROCIDA). Also called: PI Q0(PROCIDA); PI NULL(ISOLA DI PROCIDA).

Submissions (2):

OMIM
Classification: other for PI NULL(PROCIDA). Last evaluated: 2016-07-15. Review status: no assertion criteria provided. Collection method: literature only. Allele origin: germline.

GeneReviews
Classification: Pathogenic for Alpha-1-antitrypsin deficiency. Last evaluated: 2014-05-01. Review status: no assertion criteria provided. Collection method: literature only. Allele origin: germline. Affected: yes.
Comment: Disease association: lung

Literature cited by the submitters: PubMed 1975477 (cited by OMIM); PubMed 3262617 (cited by OMIM); PubMed 14985567 (cited by GeneReviews).

PI NULL(PROCIDA)

Gene: SERPINA1 (serpin family A member 1; minus strand). Cytogenetic location: 14q32.1.
Variant type: Deletion.
Other names: PI NULL(ISOLA DI PROCIDA); PI Q0(PROCIDA); QOisola di procida; 17-kb del.
Identifiers: ClinVar variation 17979 (VCV000017979.2).